The following is an entry in ClinVar:

ClinVar aggregate classification (germline): Conflicting classifications of pathogenicity. Review status: criteria provided, conflicting classifications (1 of 4 stars). 11 submissions from 11 submitters: Uncertain significance (6); Likely benign (4). 1 of the submissions does not count toward it. Last evaluated 2026-01-27.

Conditions:
ATM-related disorder. Also called: ATM-related disorders; ATM-related condition.
Hereditary cancer-predisposing syndrome. Also called: Neoplastic Syndromes, Hereditary; Tumor predisposition; Hereditary Cancer Syndrome; Hereditary neoplastic syndrome. Identifiers: Orphanet 140162, MedGen C0027672, MeSH D009386, MONDO:0015356.
Familial cancer of breast. Also called: hereditary breast carcinoma; Hereditary breast cancer; BREAST CANCER, FAMILIAL. Identifiers: Orphanet 227535, MedGen C0346153, MONDO:0016419, OMIM 114480. Disease mechanism: loss of function.
Ataxia-telangiectasia syndrome (AT). Also called: LOUIS-BAR SYNDROME; Cerebello-oculocutaneous telangiectasia; Immunodeficiency with ataxia telangiectasia; Ataxia-telangiectasia, complementation group D; Ataxia-telangiectasia, complementation group E; Ataxia telangiectasia (A-T). Identifiers: Orphanet 100, MedGen C0004135, MONDO:0008840, OMIM 208900.

Allele frequency attached by ClinVar (database versions not stated): ExAC 0.00001; gnomAD exomes 0.00001; TOPMed 0.00005.
gnomAD v4.1: 31 of 1,613,388 alleles (0.0019%); highest among the groups gnomAD compares: Non-Finnish European, 0.0026%; no homozygotes.

Submissions (11):

Labcorp Genetics (formerly Invitae), Labcorp
Classification: Likely benign for Ataxia-telangiectasia syndrome. Last evaluated: 2026-01-27. Review status: criteria provided, single submitter. Criteria: Invitae Variant Classification Sherloc (09022015). Collection method: clinical testing. Allele origin: germline.

PreventionGenetics, part of Exact Sciences
Classification: Likely benign for ATM-related condition. Last evaluated: 2026-01-12. Review status: criteria provided, single submitter. Criteria: ACMG Guidelines, 2015. Collection method: clinical testing. Allele origin: germline.
Comment: This variant is classified as likely benign based on ACMG/AMP sequence variant interpretation guidelines (Richards et al. 2015 PMID: 25741868, with internal and published modifications).

Quest Diagnostics Nichols Institute San Juan Capistrano
Classification: Uncertain significance. Last evaluated: 2025-10-20. Review status: criteria provided, single submitter. Criteria: Quest Diagnostics criteria. Collection method: clinical testing. Allele origin: unknown.

Ambry Genetics
Classification: Likely benign for Hereditary cancer-predisposing syndrome. Last evaluated: 2025-04-10. Review status: criteria provided, single submitter. Criteria: Ambry Variant Classification Scheme 2023. Collection method: clinical testing. Allele origin: germline.

Color Diagnostics, LLC DBA Color Health
Classification: Uncertain significance for Hereditary cancer-predisposing syndrome. Last evaluated: 2024-12-24. Review status: criteria provided, single submitter. Criteria: ACMG Guidelines, 2015. Collection method: clinical testing. Allele origin: germline.
Comment: This missense variant replaces tyrosine with asparagine at codon 380 of the ATM protein. Computational prediction suggests that this variant may not impact protein structure and function. To our knowledge, functional studies have not been reported for this variant. This variant has been identified in individuals affected with breast cancer (PMID: 28779002, 33471991), colorectal cancer (PMID: 27978560), and healthy controls (PMID: 16832357, 28779002, 33471991). This variant has been identified in 4/282678 chromosomes in the general population by the Genome Aggregation Database (gnomAD). The available evidence is insufficient to determine the role of this variant in disease conclusively. Therefore, this variant is classified as a Variant of Uncertain Significance.

Women's Health and Genetics/Laboratory Corporation of America, LabCorp
Classification: Uncertain significance. Last evaluated: 2024-08-20. Review status: criteria provided, single submitter. Criteria: LabCorp Variant Classification Summary - May 2015. Collection method: clinical testing. Allele origin: germline.
Comment: Variant summary: ATM c.1138T>A (p.Tyr380Asn) results in a non-conservative amino acid change in the encoded protein sequence. Four of five in-silico tools predict a benign effect of the variant on protein function. The variant allele was found at a frequency of 1.9e-05 in 257124 control chromosomes (gnomAD). The available data on variant occurrences in the general population are insufficient to allow any conclusion about variant significance. c.1138T>A has been reported in the literature in individuals affected with Breast Cancer or Colorectal Cancer, as well as unaffected controls (e.g. Tung_2015, Pearlman_2016, Dorling_2021). To our knowledge, no experimental evidence demonstrating an impact on protein function has been reported. The following publications have been ascertained in the context of this evaluation (PMID: 19781682, 22529920, 16832357, 27978560, 33471991, 25186627). ClinVar contains an entry for this variant (Variation ID: 127331). Based on the evidence outlined above, the variant was classified as uncertain significance.

GeneDx
Classification: Uncertain significance. Last evaluated: 2024-08-07. Review status: criteria provided, single submitter. Criteria: GeneDx Variant Classification Process June 2021. Collection method: clinical testing. Allele origin: germline. Affected: yes.
Comment: Observed in individuals with breast cancer or rectal cancer, but also observed in healthy controls (PMID: 16832357, 19781682, 25186627, 28779002, 27978560, 28652578, 33471991); Not observed at significant frequency in large population cohorts (gnomAD); In silico analysis indicates that this missense variant does not alter protein structure/function; This variant is associated with the following publications: (PMID: 25186627, 22529920, 27978560, 19781682, 28779002, 16832357, 28652578, 33471991)

Myriad Genetics, Inc.
Classification: Likely benign for Familial cancer of breast. Last evaluated: 2024-04-25. Review status: criteria provided, single submitter. Criteria: Myriad Autosomal Dominant, Autosomal Recessive and X-Linked Classification Criteria (2023). Collection method: clinical testing. Allele origin: unknown.
Comment: This variant is considered likely benign. This variant is strongly associated with less severe personal and family histories of cancer, typical for individuals without pathogenic variants in this gene [PMID: 25085752].

Department of Pathology and Laboratory Medicine, Sinai Health System
Classification: Uncertain significance for Familial cancer of breast. Last evaluated: 2021-09-08. Review status: criteria provided, single submitter. Criteria: ACMG Guidelines, 2015. Collection method: clinical testing. Allele origin: germline. Affected: yes.

Eurofins Ntd Llc (ga)
Classification: Uncertain significance. Last evaluated: 2016-10-08. Review status: criteria provided, single submitter. Criteria: EGL Classification Definitions 2015. Collection method: clinical testing. Allele origin: germline. Observed: 1 variant allele, 1 heterozygote.

Natera, Inc.
Classification: Uncertain significance for Ataxia-telangiectasia. Last evaluated: 2021-02-16. Review status: no assertion criteria provided. Collection method: clinical testing. Allele origin: germline. Not counted in ClinVar's aggregate classification.

Literature cited by the submitters: PubMed 19781682 (cited by 3 submitters); PubMed 25186627 (cited by Ambry Genetics and Women's Health and Genetics/Laboratory Corporation of America, LabCorp); PubMed 27978560 (cited by 4 submitters); PubMed 16832357 (cited by 3 submitters); PubMed 28779002 (cited by Color Diagnostics, LLC DBA Color Health and Department of Pathology and Laboratory Medicine, Sinai Health System); PubMed 33471991 (cited by Color Diagnostics, LLC DBA Color Health and Women's Health and Genetics/Laboratory Corporation of America, LabCorp); PubMed 22529920 (cited by Women's Health and Genetics/Laboratory Corporation of America, LabCorp); PubMed 25085752 (cited by Myriad Genetics, Inc.).

NM_000051.4(ATM):c.1138T>A (p.Tyr380Asn)

Gene: ATM (ATM serine/threonine kinase; plus strand). Cytogenetic location: 11q22.3.
Variant type: single nucleotide variant.
Coding change: c.1138T>A on transcript NM_000051.4 (MANE Select); coding-DNA position 1138, T replaced by A.
Protein change: p.Tyr380Asn; replaces tyrosine 380 with asparagine.
Molecular consequence: missense variant.
Genome position (GRCh38, 1-based): chr11:108,249,005, T>A. VCF-style: chr11-108249005-T-A. GRCh37 (hg19) VCF-style: chr11-108119732-T-A.
Other names: p.Y380N:TAC>AAC; c.1138T>A, p.Tyr380Asn (NM_001351834.2); short protein forms Y380N.
Identifiers: ClinVar variation 127331 (VCV000127331.42), dbSNP rs34083085, ClinGen allele CA286714.